The following is an entry in ClinVar:

NM_000186.4(CFH):c.3535A>T (p.Ile1179Leu)

Gene: CFH (complement factor H; plus strand). Cytogenetic location: 1q31.3.
Variant type: single nucleotide variant.
Coding change: c.3535A>T on transcript NM_000186.4 (MANE Select); coding-DNA position 3535, A replaced by T.
Protein change: p.Ile1179Leu; replaces isoleucine 1179 with leucine.
Molecular consequence: missense variant.
Genome position (GRCh38, 1-based): chr1:196,747,152, A>T. VCF-style: chr1-196747152-A-T. GRCh37 (hg19) VCF-style: chr1-196716282-A-T.
Other names: short protein forms I1179L.
Identifiers: ClinVar variation 3266583 (VCV003266583.2).
Genomic context (GRCh38, chr1:196,747,152, plus strand): 5'-TACTGTTTTTTATTTTCAGATCCGTGTGTAATATCCCGAGAAATTATGGAAAATTATAAC[A>T]TAGCATTAAGGTGGACAGCCAAACAGAAGCTTTATTCGAGAACAGGTGAATCAGTTGAAT-3'
Protein context (NP_000177.2, residues 1169-1189): ISREIMENYN[Ile1179Leu]ALRWTAKQKL

ClinVar aggregate classification (germline): Uncertain significance. Review status: criteria provided, multiple submitters, no conflicts (2 of 4 stars). 2 submissions from 2 submitters: Uncertain significance (2). Last evaluated 2025-05-29.

Conditions:
Inborn genetic diseases. Identifiers: MedGen C0950123, MeSH D030342.

gnomAD v4.1: 19 of 1,613,914 alleles (0.0012%); highest among the groups gnomAD compares: Admixed American, 0.032%; no homozygotes.

Submissions (2):

Women's Health and Genetics/Laboratory Corporation of America, LabCorp
Classification: Uncertain significance. Last evaluated: 2025-05-29. Review status: criteria provided, single submitter. Criteria: LabCorp Variant Classification Summary - May 2015. Collection method: clinical testing. Allele origin: germline.
Comment: Variant summary: CFH c.3535A>T (p.Ile1179Leu) results in a conservative amino acid change in the encoded protein sequence. Algorithms developed to predict the effect of missense changes on protein structure and function all suggest that this variant is likely to be tolerated. The variant allele was found at a frequency of 6e-05 in 251130 control chromosomes. This frequency is not significantly higher than estimated for a pathogenic variant in CFH causing CFH-Related Disorders, allowing no conclusion about variant significance. To our knowledge, no occurrence of c.3535A>T in individuals affected with CFH-Related Disorders and no experimental evidence demonstrating its impact on protein function have been reported. ClinVar contains an entry for this variant (Variation ID: 3266583). Based on the evidence outlined above, the variant was classified as uncertain significance.

Ambry Genetics
Classification: Uncertain significance for Inborn genetic diseases. Last evaluated: 2024-04-24. Review status: criteria provided, single submitter. Criteria: Ambry Variant Classification Scheme 2023. Collection method: clinical testing. Allele origin: germline.